The following is an entry in ClinVar:

NM_178138.6(LHX3):c.562G>T (p.Glu188Ter)

Gene: LHX3 (LIM homeobox 3; minus strand). Cytogenetic location: 9q34.3.
Variant type: single nucleotide variant.
Coding change: c.562G>T on transcript NM_178138.6 (MANE Select); coding-DNA position 562, G replaced by T.
Protein change: p.Glu188Ter; replaces glutamic acid 188 with a stop codon.
Molecular consequence: nonsense.
Genome position (GRCh38, 1-based): chr9:136,198,952, C>A on the plus strand (G>T on the coding strand, the complement: LHX3 is on the minus strand). VCF-style: chr9-136198952-C-A. GRCh37 (hg19) VCF-style: chr9-139090798-C-A.
Other names: c.529G>T, p.Glu177Ter (NM_001363746.1); c.577G>T, p.Glu193Ter (NM_014564.5); c.577G>T (NM_014564.4); short protein forms E177*, E193*, E188*.
Identifiers: ClinVar variation 4772503 (VCV004772503.2).

ClinVar aggregate classification (germline): Pathogenic/Likely pathogenic. Review status: criteria provided, multiple submitters, no conflicts (2 of 4 stars). 2 submissions from 2 submitters: Pathogenic (1); Likely pathogenic (1). Last evaluated 2025-06-08.

Conditions:
Non-acquired combined pituitary hormone deficiency with spine abnormalities (CPHD3). Also called: Winkelman Bethge Pfeiffer syndrome; WBP syndrome; Combined pituitary hormone deficiency type 3. Identifiers: Orphanet 231720, MedGen C3489787, MONDO:0009091, OMIM 221750.

gnomAD v4.1: 2 of 1,588,046 alleles (0.00013%); highest among the groups gnomAD compares: Admixed American, 0.0017%; no homozygotes.

Submissions (2):

Labcorp Genetics (formerly Invitae), Labcorp
Classification: Pathogenic. Last evaluated: 2025-06-08. Review status: criteria provided, single submitter. Criteria: Invitae Variant Classification Sherloc (09022015). Collection method: clinical testing. Allele origin: germline.
Comment: This sequence change creates a premature translational stop signal (p.Glu193*) in the LHX3 gene. It is expected to result in an absent or disrupted protein product. Loss-of-function variants in LHX3 are known to be pathogenic (PMID: 16394081, 18407919). The frequency data for this variant in the population databases is considered unreliable, as metrics indicate poor data quality at this position in the gnomAD database. This variant has not been reported in the literature in individuals affected with LHX3-related conditions. For these reasons, this variant has been classified as Pathogenic.

Natera, Inc.
Classification: Likely pathogenic for Combined pituitary hormone deficiency type 3. Last evaluated: 2024-04-30. Review status: criteria provided, single submitter. Criteria: Natera Variant Classification Schema (03/2026). Collection method: clinical testing. Allele origin: germline.
Comment: The c.577G>T variant in LHX3 is a nonsense variant predicted to introduce a stop codon at amino acid 193. This variant is expected to result in nonsense mediated decay, truncation, or a dysfunctional protein product. This variant is rare in the general population with a frequency below the threshold expected for the associated phenotype(s). Given the available evidence, this variant is classified as Likely Pathogenic.

Literature cited by the submitters: PubMed 16394081 (cited by Labcorp Genetics (formerly Invitae), Labcorp); PubMed 18407919 (cited by Labcorp Genetics (formerly Invitae), Labcorp).